The following is an entry in ClinVar:

NM_016013.4(NDUFAF1):c.290T>G (p.Leu97Trp)

Gene: NDUFAF1 (NADH:ubiquinone oxidoreductase complex assembly factor 1; minus strand). Cytogenetic location: 15q15.1.
Variant type: single nucleotide variant.
Coding change: c.290T>G on transcript NM_016013.4 (MANE Select); coding-DNA position 290, T replaced by G.
Protein change: p.Leu97Trp; replaces leucine 97 with tryptophan.
Molecular consequence: missense variant. On other transcripts: non-coding transcript variant (1).
Genome position (GRCh38, 1-based): chr15:41,396,770, A>C on the plus strand (T>G on the coding strand, the complement: NDUFAF1 is on the minus strand). VCF-style: chr15-41396770-A-C. GRCh37 (hg19) VCF-style: chr15-41688968-A-C.
Other names: short protein forms L97W.
Identifiers: ClinVar variation 1930700 (VCV001930700.5), dbSNP rs751146273, ClinGen allele CA7491364.

ClinVar aggregate classification (germline): Uncertain significance (1 of 4 stars; one submission).

Allele frequency attached by ClinVar (database versions not stated): gnomAD exomes below 0.00001; gnomAD 0.00001; ExAC 0.00002.
gnomAD v4.1: 9 of 1,613,996 alleles (0.00056%); highest among the groups gnomAD compares: Admixed American, 0.015%; no homozygotes.

Submission:

Labcorp Genetics (formerly Invitae), Labcorp
Classification: Uncertain significance. Last evaluated: 2025-01-06. Review status: criteria provided, single submitter. Criteria: Invitae Variant Classification Sherloc (09022015). Collection method: clinical testing. Allele origin: germline.
Comment: This sequence change replaces leucine, which is neutral and non-polar, with tryptophan, which is neutral and slightly polar, at codon 97 of the NDUFAF1 protein (p.Leu97Trp). This variant is present in population databases (rs751146273, gnomAD 0.02%). This variant has not been reported in the literature in individuals affected with NDUFAF1-related conditions. ClinVar contains an entry for this variant (Variation ID: 1930700). Invitae Evidence Modeling of protein sequence and biophysical properties (such as structural, functional, and spatial information, amino acid conservation, physicochemical variation, residue mobility, and thermodynamic stability) indicates that this missense variant is not expected to disrupt NDUFAF1 protein function with a negative predictive value of 80%. In summary, the available evidence is currently insufficient to determine the role of this variant in disease. Therefore, it has been classified as a Variant of Uncertain Significance.